The following is an entry in ClinVar:

ClinVar aggregate classification (germline): Pathogenic (1 of 4 stars; one submission).

Submission:

Labcorp Genetics (formerly Invitae), Labcorp
Classification: Pathogenic. Last evaluated: 2025-10-24. Review status: criteria provided, single submitter. Criteria: Invitae Variant Classification Sherloc (09022015). Collection method: clinical testing. Allele origin: germline.
Comment: This sequence change creates a premature translational stop signal (p.Asp52Thrfs*5) in the TUBGCP6 gene. It is expected to result in an absent or disrupted protein product. Loss-of-function variants in TUBGCP6 are known to be pathogenic (PMID: 25344692). This variant is present in population databases (rs772228276, gnomAD 0.002%). This variant has not been reported in the literature in individuals affected with TUBGCP6-related conditions. ClinVar contains an entry for this variant (Variation ID: 3701095). Algorithms developed to predict the effect of sequence changes on RNA splicing suggest that this variant may create or strengthen a splice site. For these reasons, this variant has been classified as Pathogenic.

Literature cited by the submitters: PubMed 25344692.

NM_020461.4(TUBGCP6):c.154_164del (p.Asp52fs)

Gene: TUBGCP6 (tubulin gamma complex component 6; minus strand). Cytogenetic location: 22q13.33.
Variant type: Deletion.
Coding change: c.154_164del on transcript NM_020461.4 (MANE Select); coding-DNA positions 154 to 164, 11 bases deleted (GATGAGACTCA).
Protein change: p.Asp52fs; shifts the reading frame from aspartic acid 52.
Molecular consequence: frameshift variant.
Genome position (GRCh38, 1-based): chr22:50,244,296-50,244,306, TGAGTCTCATC deleted on the plus strand (GATGAGACTCA on the coding strand, the reverse complement: TUBGCP6 is on the minus strand); deleting any 11 consecutive bases within chr22:50,244,296-50,244,307 gives the same sequence; the c. name uses the placement nearest the transcript's 3' end. VCF-style (leftmost placement, unchanged base first): chr22-50244295-TTGAGTCTCATC-T. GRCh37 (hg19) VCF-style: chr22-50682724-TTGAGTCTCATC-T.
Other names: short protein forms D52fs.
Identifiers: ClinVar variation 3701095 (VCV003701095.2).